The following is an entry in ClinVar:

ClinVar aggregate classification (germline): Pathogenic (1 of 4 stars; one submission).

Submission:

Labcorp Genetics (formerly Invitae), Labcorp
Classification: Pathogenic. Last evaluated: 2021-01-16. Review status: criteria provided, single submitter. Criteria: Invitae Variant Classification Sherloc (09022015). Collection method: clinical testing. Allele origin: germline.
Comment: A gross deletion of the genomic region encompassing the full coding sequence of the MUT gene has been identified. Loss-of-function variants in MUT are known to be pathogenic (PMID: 15781192). The boundaries of this event are unknown as they extend beyond the assayed region for this gene and therefore may encompass additional genes. This variant has not been reported in the literature in individuals with MUT-related conditions. For these reasons, this variant has been classified as Pathogenic.

Literature cited by the submitters: PubMed 15781192.

NC_000006.11:g.(?_49399431)_(49427219_?)del

Gene: MMUT (methylmalonyl-CoA mutase; minus strand). Cytogenetic location: 6p12.3.
Variant type: Deletion.
Identifiers: ClinVar variation 1459485 (VCV001459485.1).